The following is an entry in ClinVar:

ClinVar aggregate classification (germline): Uncertain significance (1 of 4 stars; one submission).

Conditions:
Familial adenomatous polyposis 1 (FAP1). Also called: FAMILIAL ADENOMATOUS POLYPOSIS 1, ATTENUATED; POLYPOSIS, ADENOMATOUS INTESTINAL. Identifiers: MedGen C2713442, MONDO:0021056, OMIM 175100. Disease mechanism: loss of function.

Submission:

Labcorp Genetics (formerly Invitae), Labcorp
Classification: Uncertain significance for Familial adenomatous polyposis 1. Last evaluated: 2023-03-29. Review status: criteria provided, single submitter. Criteria: Invitae Variant Classification Sherloc (09022015). Collection method: clinical testing. Allele origin: germline.
Comment: This sequence change replaces glycine, which is neutral and non-polar, with cysteine, which is neutral and slightly polar, at codon 2091 of the APC protein (p.Gly2091Cys). In summary, the available evidence is currently insufficient to determine the role of this variant in disease. Therefore, it has been classified as a Variant of Uncertain Significance. Advanced modeling of protein sequence and biophysical properties (such as structural, functional, and spatial information, amino acid conservation, physicochemical variation, residue mobility, and thermodynamic stability) performed at Invitae indicates that this missense variant is not expected to disrupt APC protein function. This variant has not been reported in the literature in individuals affected with APC-related conditions. This variant is not present in population databases (gnomAD no frequency).

NM_000038.6(APC):c.6271G>T (p.Gly2091Cys)

Gene: APC (APC regulator of Wnt signaling pathway; plus strand). Cytogenetic location: 5q22.2.
Variant type: single nucleotide variant.
Coding change: c.6271G>T on transcript NM_000038.6 (MANE Select); coding-DNA position 6271, G replaced by T.
Protein change: p.Gly2091Cys; replaces glycine 2091 with cysteine.
Molecular consequence: missense variant. On other transcripts: non-coding transcript variant (2).
Genome position (GRCh38, 1-based): chr5:112,841,865, G>T. VCF-style: chr5-112841865-G-T. GRCh37 (hg19) VCF-style: chr5-112177562-G-T.
Other names: c.6271G>T, p.Gly2091Cys (NM_001127510.3, NM_001354895.2, NM_001407450.1); c.6217G>T, p.Gly2073Cys (NM_001127511.3); c.6325G>T, p.Gly2109Cys (NM_001354896.2, NM_001407447.1, NM_001407448.1 and 1 more transcripts); c.6301G>T, p.Gly2101Cys (NM_001354897.2); c.6196G>T, p.Gly2066Cys (NM_001354898.2); c.6187G>T, p.Gly2063Cys (NM_001354899.2); c.6148G>T, p.Gly2050Cys (NM_001354900.2); c.6094G>T, p.Gly2032Cys (NM_001354901.2, NM_001407453.1); and 11 more; short protein forms G1931C, G2032C, G2063C, G2084C, G2091C, G1707C, G2101C, G2119C.
Identifiers: ClinVar variation 2850554 (VCV002850554.3), dbSNP rs745308565, ClinGen allele CA16035065.